The following is an entry in ClinVar:

NM_001002755.4(NFU1):c.303-277T>G

Gene: NFU1 (NFU1 iron-sulfur cluster scaffold; minus strand). Cytogenetic location: 2p13.3.
Variant type: single nucleotide variant.
Coding change: c.303-277T>G on transcript NM_001002755.4 (MANE Select); 277 bases into the intron before coding-DNA position 303, T replaced by G.
Molecular consequence: intron variant.
Genome position (GRCh38, 1-based): chr2:69,419,881, A>C on the plus strand (T>G on the coding strand, the complement: NFU1 is on the minus strand). VCF-style: chr2-69419881-A-C. GRCh37 (hg19) VCF-style: chr2-69647013-A-C.
Other names: c.231-277T>G (NM_015700.4, NM_001374284.1); c.-121-277T>G (NM_001002756.2).
Identifiers: ClinVar variation 671487 (VCV000671487.1), dbSNP rs77406509, ClinGen allele CA49522207.
Genomic context (GRCh38, chr2:69,419,881, plus strand): 5'-AAAGACTTGTACATAAATCTTCATAGCAGCTTCATTTAAAATAGCCACACATACAGAAAA[A>C]TATGGAAATGTCCATCACCTGGTGAATGAATAGACTGCTATATCTATACTATCAATCATT-3'

ClinVar aggregate classification (germline): Likely benign (1 of 4 stars; one submission).

Allele frequency attached by ClinVar (database versions not stated): gnomAD 0.00980 and 0.01476; TOPMed 0.01404; 1000 Genomes Project 30x 0.05731; 1000 Genomes Project 0.06310.
gnomAD v4.1: 2,239 of 152,328 alleles (1.5%); highest among the groups gnomAD compares: East Asian, 18%; 129 homozygotes.

Submission:

GeneDx
Classification: Likely benign. Last evaluated: 2018-06-16. Review status: criteria provided, single submitter. Criteria: GeneDx Variant Classification (06012015). Collection method: clinical testing. Allele origin: germline. Affected: yes.
Comment: This variant is considered likely benign or benign based on one or more of the following criteria: it is a conservative change, it occurs at a poorly conserved position in the protein, it is predicted to be benign by multiple in silico algorithms, and/or has population frequency not consistent with disease.